The following is an entry in ClinVar:

ClinVar aggregate classification (germline): Pathogenic (1 of 4 stars; one submission).

Conditions:
Maple syrup urine disease (MSUD). Identifiers: Orphanet 511, MedGen C0024776, MeSH D008375, MONDO:0009563. Disease mechanism: loss of function.

Submission:

Labcorp Genetics (formerly Invitae), Labcorp
Classification: Pathogenic for Maple syrup urine disease. Last evaluated: 2018-11-17. Review status: criteria provided, single submitter. Criteria: Invitae Variant Classification Sherloc (09022015). Collection method: clinical testing. Allele origin: germline.
Comment: For these reasons, this variant has been classified as Pathogenic. Loss-of-function variants in DBT are known to be pathogenic (PMID: 16579849, 16786533). This variant has not been reported in the literature in individuals with DBT-related disease. This variant is not present in population databases (ExAC no frequency). This sequence change creates a premature translational stop signal (p.Glu88Lysfs*38) in the DBT gene. It is expected to result in an absent or disrupted protein product.

Literature cited by the submitters: PubMed 16579849; PubMed 16786533.

NM_001918.5(DBT):c.261del (p.Glu88fs)

Gene: DBT (dihydrolipoamide branched chain transacylase E2; minus strand). Cytogenetic location: 1p21.2.
Variant type: Deletion.
Coding change: c.261del on transcript NM_001918.5 (MANE Select); coding-DNA position 261, one base deleted (A; older notation c.261delA).
Protein change: p.Glu88fs; shifts the reading frame from glutamic acid 88.
Molecular consequence: frameshift variant.
Genome position (GRCh38, 1-based): chr1:100,230,905, T deleted on the plus strand (A on the coding strand, the reverse complement: DBT is on the minus strand); the first of 4 consecutive T bases (chr1:100,230,905-100,230,908); deleting any one gives the same sequence. VCF-style (leftmost placement, unchanged base first): chr1-100230904-CT-C. GRCh37 (hg19) VCF-style: chr1-100696460-CT-C.
Other names: c.261delA (NM_001918.3); short protein forms E88fs.
Identifiers: ClinVar variation 657974 (VCV000657974.6), dbSNP rs1570836175, ClinGen allele CA915941349.
Genomic context (GRCh38, chr1:100,230,904, plus strand): 5'-CAGAAGCTTTATCACTTTGAACTTCACAGATGCTATCAAACTGAGACACTGTATCTCCTT[CT>C]TTTACATACCTAAAAGAAAAAGAAATGAGACACTTTTATGGAAACAGTCATAAGTACAGA-3'